The following is an entry in ClinVar:

NM_000313.4(PROS1):c.1594A>G (p.Thr532Ala)

Gene: PROS1 (protein S; minus strand). Cytogenetic location: 3q11.1.
Variant type: single nucleotide variant.
Coding change: c.1594A>G on transcript NM_000313.4 (MANE Select); coding-DNA position 1594, A replaced by G.
Protein change: p.Thr532Ala; replaces threonine 532 with alanine.
Molecular consequence: missense variant.
Genome position (GRCh38, 1-based): chr3:93,879,213, T>C on the plus strand (A>G on the coding strand, the complement: PROS1 is on the minus strand). VCF-style: chr3-93879213-T-C. GRCh37 (hg19) VCF-style: chr3-93598057-T-C.
Other names: c.1690A>G, p.Thr564Ala (NM_001314077.2); short protein forms T532A, T564A.
Identifiers: ClinVar variation 161350 (VCV000161350.5), dbSNP rs371028997, ClinGen allele CA211746.
Genomic context (GRCh38, chr3:93,879,213, plus strand): 5'-GTTAAGTTACCTGTGATTTTTCAGAGGTGGAGTCCACCAAGGACACAGCAAAGGGCACTG[T>C]GTTGTTACCAGAAACCAAGGCAAGCATAACACCAGTGCCCGTGGATGGACGAATATTCAA-3'
Protein context (NP_000304.2, residues 522-542): VMLALVSGNN[Thr532Ala]VPFAVSLVDS

ClinVar aggregate classification (germline): Uncertain significance. Review status: criteria provided, multiple submitters, no conflicts (2 of 4 stars). 3 submissions from 3 submitters: Uncertain significance (3). Last evaluated 2023-12-15.

Conditions:
Thrombophilia due to protein S deficiency, autosomal recessive (THPH6). Identifiers: Orphanet 743, MedGen C3281092, MONDO:0013791, OMIM 614514. Disease mechanism: loss of function.
Thrombophilia due to protein S deficiency, autosomal dominant (THPH5). Identifiers: Orphanet 26349, Orphanet 743, MedGen C3278211, MONDO:0012868, OMIM 612336. Disease mechanism: loss of function.

Allele frequency attached by ClinVar (database versions not stated): gnomAD 0.00001; TOPMed 0.00004; ESP Exome Variant Server 0.00008.

Submissions (3):

Labcorp Genetics (formerly Invitae), Labcorp
Classification: Uncertain significance for Thrombophilia due to protein S deficiency, autosomal recessive. Last evaluated: 2023-12-15. Review status: criteria provided, single submitter. Criteria: Invitae Variant Classification Sherloc (09022015). Collection method: clinical testing. Allele origin: germline.
Comment: This sequence change replaces threonine, which is neutral and polar, with alanine, which is neutral and non-polar, at codon 532 of the PROS1 protein (p.Thr532Ala). This variant is present in population databases (rs371028997, gnomAD 0.005%). This missense change has been observed in individual(s) with clinical features of PROS1-related conditions (PMID: 8765219, 34355501). This variant is also known as 491A>G. ClinVar contains an entry for this variant (Variation ID: 161350). Advanced modeling of protein sequence and biophysical properties (such as structural, functional, and spatial information, amino acid conservation, physicochemical variation, residue mobility, and thermodynamic stability) performed at Invitae indicates that this missense variant is not expected to disrupt PROS1 protein function with a negative predictive value of 80%. In summary, the available evidence is currently insufficient to determine the role of this variant in disease. Therefore, it has been classified as a Variant of Uncertain Significance.

CSER _CC_NCGL, University of Washington
Classification: Uncertain significance for Protein S deficiency. Last evaluated: 2014-06-01. Review status: criteria provided, single submitter. Criteria: Amendola et al. (Genome Res. 2015). Collection method: research. Allele origin: germline. Inheritance: Autosomal dominant inheritance. Study: ESP 6500 variant annotation.
Comment: Low GERP score may suggest that this variant may belong in a lower pathogenicity class

Variants classified for the Actionable exomic incidental findings in 6503 participants: challenges of variant classification manuscript

ISTH-SSC Genomics in Thrombosis and Hemostasis, KU Leuven, Center for Molecular and Vascular Biology
Classification: Uncertain significance for Thrombophilia due to protein S deficiency, autosomal dominant. Review status: criteria provided, single submitter. Criteria: ACMG Guidelines, 2015. Collection method: clinical testing. Allele origin: unknown. Affected: yes.
Comment: Submitted to GoldVariant by Kathleen Freson, Center for Molecular and Vascular Biology, Leuven, Belgium

Literature cited by the submitters: PubMed 8765219 (cited by Labcorp Genetics (formerly Invitae), Labcorp); PubMed 34355501 (cited by Labcorp Genetics (formerly Invitae), Labcorp and ISTH-SSC Genomics in Thrombosis and Hemostasis, KU Leuven, Center for Molecular and Vascular Biology).